The following is an entry in ClinVar:

ClinVar aggregate classification (germline): Uncertain significance (1 of 4 stars; one submission).

Conditions:
Norman-Roberts syndrome (LIS2). Also called: Lissencephaly 2 (Norman-Roberts type). Identifiers: Orphanet 89844, MedGen C0796089, MONDO:0009760, OMIM 257320.
Familial temporal lobe epilepsy 7. Identifiers: Orphanet 101046, MedGen C4225327, MONDO:0014639, OMIM 616436.

gnomAD v4.1: 2 of 1,614,058 alleles (0.00012%); highest among the groups gnomAD compares: Non-Finnish European, 0.00017%; no homozygotes.

Submission:

Labcorp Genetics (formerly Invitae), Labcorp
Classification: Uncertain significance for Familial temporal lobe epilepsy 7; Norman-Roberts syndrome. Last evaluated: 2025-04-22. Review status: criteria provided, single submitter. Criteria: Invitae Variant Classification Sherloc (09022015). Collection method: clinical testing. Allele origin: germline.
Comment: This sequence change replaces valine, which is neutral and non-polar, with alanine, which is neutral and non-polar, at codon 2679 of the RELN protein (p.Val2679Ala). This variant is not present in population databases (gnomAD no frequency). This variant has not been reported in the literature in individuals affected with RELN-related conditions. Invitae Evidence Modeling of protein sequence and biophysical properties (such as structural, functional, and spatial information, amino acid conservation, physicochemical variation, residue mobility, and thermodynamic stability) indicates that this missense variant is not expected to disrupt RELN protein function with a negative predictive value of 80%. In summary, the available evidence is currently insufficient to determine the role of this variant in disease. Therefore, it has been classified as a Variant of Uncertain Significance.

NM_005045.4(RELN):c.8036T>C (p.Val2679Ala)

Gene: RELN (reelin; minus strand). Cytogenetic location: 7q22.1.
Variant type: single nucleotide variant.
Coding change: c.8036T>C on transcript NM_005045.4 (MANE Select); coding-DNA position 8036, T replaced by C.
Protein change: p.Val2679Ala; replaces valine 2679 with alanine.
Molecular consequence: missense variant.
Genome position (GRCh38, 1-based): chr7:103,515,268, A>G on the plus strand (T>C on the coding strand, the complement: RELN is on the minus strand). VCF-style: chr7-103515268-A-G. GRCh37 (hg19) VCF-style: chr7-103155715-A-G.
Other names: c.8036T>C, p.Val2679Ala (NM_173054.3); short protein forms V2679A.
Identifiers: ClinVar variation 4782595 (VCV004782595.1).
Genomic context (GRCh38, chr7:103,515,268, plus strand): 5'-ATGTCAAAGGCGATCCTCCCGACAGGGCCGGCATCTGCAGGGGAGCGCTCATGCTGGGGT[A>G]CTGGGGCGCTGCTGAAGGTGTCCAGCATAACGGTCCTTTGGTCAGCAGAGCCTGAGATGA-3'
Protein context (NP_005036.2, residues 2669-2689): VMLDTFSSAP[Val2679Ala]PQHERSPADA